The following is an entry in ClinVar:

NM_000186.4(CFH):c.379C>T (p.Arg127Cys)

Gene: CFH (complement factor H; plus strand). Cytogenetic location: 1q31.3.
Variant type: single nucleotide variant.
Coding change: c.379C>T on transcript NM_000186.4 (MANE Select); coding-DNA position 379, C replaced by T.
Protein change: p.Arg127Cys; replaces arginine 127 with cysteine.
Molecular consequence: missense variant.
Genome position (GRCh38, 1-based): chr1:196,676,017, C>T. VCF-style: chr1-196676017-C-T. GRCh37 (hg19) VCF-style: chr1-196645147-C-T.
Other names: c.379C>T, p.Arg127Cys (NM_001014975.3); short protein forms R127C.
Identifiers: ClinVar variation 3624388 (VCV003624388.5).

ClinVar aggregate classification (germline): Conflicting classifications of pathogenicity. Review status: criteria provided, conflicting classifications (1 of 4 stars). 3 submissions from 3 submitters: Likely pathogenic (1); Uncertain significance (2). Last evaluated 2026-09-17.

Conditions:
Basal laminar drusen. Also called: DRUSEN OF BRUCH MEMBRANE; DRUSEN, CUTICULAR; DRUSEN, EARLY ADULT-ONSET, GROUPED. Identifiers: Orphanet 75376, MedGen C0730295, MONDO:0007472, OMIM 126700.
Factor H deficiency (CFHD). Also called: COMPLEMENT FACTOR H DEFICIENCY; CFH DEFICIENCY. Identifiers: Orphanet 200421, MedGen C0398777, MONDO:0012350, OMIM 609814.

Submissions (3):

Genomenon, Inc
Classification: Likely pathogenic for Factor H deficiency; Basal laminar drusen. Last evaluated: 2026-09-17. Review status: criteria provided, single submitter. Criteria: Genomenon Sequence Variant Interpretation Standards - Updated. Collection method: curation. Allele origin: germline. Affected: yes.
Comment: CFH p.Arg127Cys (c.379C>T) is a missense variant that changes the amino acid at codon 127 from arginine to cysteine. This variant has been observed in at least one proband affected with a CFH-related disorder (PMID: 34211499; 26915021). The variant was found to segregate with disease in at least one affected family (PMID: 26915021). It is absent or not present at a significant frequency in gnomAD. In conclusion, we classify CFH p.Arg127Cys (c.379C>T) as a likely pathogenic variant.

Labcorp Genetics (formerly Invitae), Labcorp
Classification: Uncertain significance. Last evaluated: 2025-01-07. Review status: criteria provided, single submitter. Criteria: Invitae Variant Classification Sherloc (09022015). Collection method: clinical testing. Allele origin: germline.
Comment: This sequence change replaces arginine, which is basic and polar, with cysteine, which is neutral and slightly polar, at codon 127 of the CFH protein (p.Arg127Cys). This variant is not present in population databases (gnomAD no frequency). This variant has not been reported in the literature in individuals affected with CFH-related conditions. An algorithm developed to predict the effect of missense changes on protein structure and function (PolyPhen-2) suggests that this variant is likely to be disruptive. In summary, the available evidence is currently insufficient to determine the role of this variant in disease. Therefore, it has been classified as a Variant of Uncertain Significance.

Blueprint Genetics
Classification: Uncertain significance. Last evaluated: 2022-10-26. Review status: criteria provided, single submitter. Criteria: ACMG Guidelines, 2015. Collection method: clinical testing. Allele origin: germline.

Literature cited by the submitters: PubMed 34211499 (cited by Genomenon, Inc); PubMed 26915021 (cited by Genomenon, Inc).